The following is an entry in ClinVar:

ClinVar aggregate classification (germline): Uncertain significance. Review status: criteria provided, multiple submitters, no conflicts (2 of 4 stars). 2 submissions from 2 submitters: Uncertain significance (2). Last evaluated 2024-06-12.

Conditions:
Retinitis pigmentosa (RP). Identifiers: Orphanet 791, MedGen C0035334, MeSH D012174, MONDO:0019200, OMIM 268000. Inheritance: Autosomal dominant, autosomal recessive and X linked inheritance.

Allele frequency attached by ClinVar (database versions not stated): TOPMed 0.00002.

Submissions (2):

Labcorp Genetics (formerly Invitae), Labcorp
Classification: Uncertain significance. Last evaluated: 2024-06-12. Review status: criteria provided, single submitter. Criteria: Invitae Variant Classification Sherloc (09022015). Collection method: clinical testing. Allele origin: germline.
Comment: This sequence change replaces cysteine, which is neutral and slightly polar, with serine, which is neutral and polar, at codon 32 of the GUCA1B protein (p.Cys32Ser). This variant is not present in population databases (gnomAD no frequency). This variant has not been reported in the literature in individuals affected with GUCA1B-related conditions. ClinVar contains an entry for this variant (Variation ID: 911288). An algorithm developed to predict the effect of missense changes on protein structure and function (PolyPhen-2) suggests that this variant is likely to be disruptive. In summary, the available evidence is currently insufficient to determine the role of this variant in disease. Therefore, it has been classified as a Variant of Uncertain Significance.

Illumina Laboratory Services, Illumina
Classification: Uncertain significance for Retinitis pigmentosa. Last evaluated: 2018-01-12. Review status: criteria provided, single submitter. Criteria: ICSL Variant Classification Criteria 13 December 2019. Collection method: clinical testing. Allele origin: germline.

NM_002098.6(GUCA1B):c.95G>C (p.Cys32Ser)

Gene: GUCA1B (guanylate cyclase activator 1B; minus strand). Cytogenetic location: 6p21.1.
Variant type: single nucleotide variant.
Coding change: c.95G>C on transcript NM_002098.6 (MANE Select); coding-DNA position 95, G replaced by C.
Protein change: p.Cys32Ser; replaces cysteine 32 with serine.
Molecular consequence: missense variant.
Genome position (GRCh38, 1-based): chr6:42,194,726, C>G on the plus strand (G>C on the coding strand, the complement: GUCA1B is on the minus strand). VCF-style: chr6-42194726-C-G. GRCh37 (hg19) VCF-style: chr6-42162464-C-G.
Other names: short protein forms C32S.
Identifiers: ClinVar variation 911288 (VCV000911288.6), dbSNP rs140794161, ClinGen allele CA364114015.